The following is an entry in ClinVar:

NM_000254.3(MTR):c.2684A>C (p.Gln895Pro)

Gene: MTR (5-methyltetrahydrofolate-homocysteine methyltransferase; plus strand). Cytogenetic location: 1q43.
Variant type: single nucleotide variant.
Coding change: c.2684A>C on transcript NM_000254.3 (MANE Select); coding-DNA position 2684, A replaced by C.
Protein change: p.Gln895Pro; replaces glutamine 895 with proline.
Molecular consequence: missense variant.
Genome position (GRCh38, 1-based): chr1:236,885,128, A>C. VCF-style: chr1-236885128-A-C. GRCh37 (hg19) VCF-style: chr1-237048428-A-C.
Other names: c.2531A>C, p.Gln844Pro (NM_001291939.1); c.1463A>C, p.Gln488Pro (NM_001291940.2); short protein forms Q895P, Q488P, Q844P.
Identifiers: ClinVar variation 660667 (VCV000660667.7), dbSNP rs146569329, ClinGen allele CA39764321.

ClinVar aggregate classification (germline): Uncertain significance. Review status: criteria provided, multiple submitters, no conflicts (2 of 4 stars). 2 submissions from 2 submitters: Uncertain significance (2). Last evaluated 2023-04-28.

Conditions:
Methylcobalamin deficiency type cblG (HMAG). Also called: HOMOCYSTINURIA-MEGALOBLASTIC ANEMIA, cblG TYPE; HOMOCYSTINURIA-MEGALOBLASTIC ANEMIA DUE TO DEFECT IN COBALAMIN METABOLISM, cblG COMPLEMENTATION TYPE; Functional methionine synthase deficiency type cblG; HOMOCYSTINURIA-MEGALOBLASTIC ANEMIA, cblG COMPLEMENTATION TYPE. Identifiers: Orphanet 2170, Orphanet 622, MedGen C1855128, MONDO:0009609, OMIM 250940.

Allele frequency attached by ClinVar (database versions not stated): gnomAD exomes 0.00001; gnomAD 0.00003; TOPMed 0.00004; ESP Exome Variant Server 0.00015.
gnomAD v4.1: 13 of 1,603,356 alleles (0.00081%); highest among the groups gnomAD compares: African/African-American, 0.0013%; no homozygotes.

Submissions (2):

GeneDx
Classification: Uncertain significance. Last evaluated: 2023-04-28. Review status: criteria provided, single submitter. Criteria: GeneDx Variant Classification Process June 2021. Collection method: clinical testing. Allele origin: germline. Affected: yes.
Comment: Not observed at significant frequency in large population cohorts (gnomAD); In silico analysis supports that this missense variant does not alter protein structure/function; Has not been previously published as pathogenic or benign to our knowledge

Labcorp Genetics (formerly Invitae), Labcorp
Classification: Uncertain significance for Methylcobalamin deficiency type cblG. Last evaluated: 2021-08-28. Review status: criteria provided, single submitter. Criteria: Invitae Variant Classification Sherloc (09022015). Collection method: clinical testing. Allele origin: germline.
Comment: This sequence change replaces glutamine with proline at codon 895 of the MTR protein (p.Gln895Pro). The glutamine residue is highly conserved and there is a moderate physicochemical difference between glutamine and proline. This variant is not present in population databases (ExAC no frequency). This variant has not been reported in the literature in individuals affected with MTR-related conditions. Algorithms developed to predict the effect of missense changes on protein structure and function are either unavailable or do not agree on the potential impact of this missense change (SIFT: "Deleterious"; PolyPhen-2: "Benign"; Align-GVGD: "Class C0"). In summary, the available evidence is currently insufficient to determine the role of this variant in disease. Therefore, it has been classified as a Variant of Uncertain Significance.